The following is an entry in ClinVar:

ClinVar aggregate classification (germline): Likely benign (0 of 4 stars; one submission).

Conditions:
MAP1B-related disorder. Also called: MAP1B-related condition.

Allele frequency attached by ClinVar (database versions not stated): gnomAD 0.00001; TOPMed 0.00001; gnomAD exomes 0.00006.
gnomAD v4.1: 88 of 1,613,978 alleles (0.0055%); highest among the groups gnomAD compares: Middle Eastern, 0.016%; no homozygotes.

Submission:

PreventionGenetics, part of Exact Sciences
Classification: Likely benign for MAP1B-related condition. Last evaluated: 2021-01-28. Review status: no assertion criteria provided. Collection method: clinical testing. Allele origin: germline.
Comment: This variant is classified as likely benign based on ACMG/AMP sequence variant interpretation guidelines (Richards et al. 2015 PMID: 25741868, with internal and published modifications).

NM_005909.5(MAP1B):c.5292A>T (p.Ser1764=)

Gene: MAP1B (microtubule associated protein 1B; plus strand). Cytogenetic location: 5q13.2.
Variant type: single nucleotide variant.
Coding change: c.5292A>T on transcript NM_005909.5 (MANE Select); coding-DNA position 5292, A replaced by T.
Protein change: p.Ser1764=; no amino-acid change (serine 1764 retained).
Molecular consequence: synonymous variant.
Genome position (GRCh38, 1-based): chr5:72,198,647, A>T. VCF-style: chr5-72198647-A-T. GRCh37 (hg19) VCF-style: chr5-71494474-A-T.
Other names: c.4914A>T, p.Ser1638= (NM_001324255.2).
Identifiers: ClinVar variation 3032476 (VCV003032476.2), dbSNP rs754864629, ClinGen allele CA3299304.
Genomic context (GRCh38, chr5:72,198,647, plus strand): 5'-TCTCCAAGAAGATACTCTATCCGATGTTGCTCCTCCCAGAGATATGTCCTTATATGCCTC[A>T]CTCACCTCTGAAAAAGTGCAAAGTCTGGAAGGAGAGAAGCTCTCTCCAAAATCTGATATC-3'
Protein context (NP_005900.2, residues 1754-1774): APPRDMSLYA[Ser1764=]LTSEKVQSLE